The following is an entry in ClinVar:

NM_001025616.3(ARHGAP24):c.1760A>T (p.Asn587Ile)

Gene: ARHGAP24 (Rho GTPase activating protein 24; plus strand). Cytogenetic location: 4q21.23.
Variant type: single nucleotide variant.
Coding change: c.1760A>T on transcript NM_001025616.3 (MANE Select); coding-DNA position 1760, A replaced by T.
Protein change: p.Asn587Ile; replaces asparagine 587 with isoleucine.
Molecular consequence: missense variant.
Genome position (GRCh38, 1-based): chr4:85,995,414, A>T. VCF-style: chr4-85995414-A-T. GRCh37 (hg19) VCF-style: chr4-86916567-A-T.
Other names: c.1475A>T, p.Asn492Ile (NM_001042669.2); c.1505A>T, p.Asn502Ile (NM_001287805.2); c.1181A>T, p.Asn394Ile (NM_001346093.2); c.1481A>T, p.Asn494Ile (NM_031305.3); c.1760A>T (NM_001025616.2); short protein forms N492I, N502I, N587I, N494I, N394I.
Identifiers: ClinVar variation 1416939 (VCV001416939.6), dbSNP rs138513531, ClinGen allele CA2994791.

ClinVar aggregate classification (germline): Uncertain significance. Review status: criteria provided, multiple submitters, no conflicts (2 of 4 stars). 2 submissions from 2 submitters: Uncertain significance (2). Last evaluated 2023-03-24.

Conditions:
ARHGAP24-related disorder. Also called: ARHGAP24-related condition.

Allele frequency attached by ClinVar (database versions not stated): ESP Exome Variant Server 0.00015.
gnomAD v4.1: 32 of 1,612,344 alleles (0.002%); highest among the groups gnomAD compares: African/African-American, 0.027%; no homozygotes.

Submissions (2):

PreventionGenetics, part of Exact Sciences
Classification: Uncertain significance for ARHGAP24-related condition. Last evaluated: 2023-03-24. Review status: criteria provided, single submitter. Criteria: ACMG Guidelines, 2015. Collection method: clinical testing. Allele origin: germline.
Comment: The ARHGAP24 c.1760A>T variant is predicted to result in the amino acid substitution p.Asn587Ile. To our knowledge, this variant has not been reported in the literature. This variant is reported in 0.020% of alleles in individuals of African descent in gnomAD. At this time, the clinical significance of this variant is uncertain due to the absence of conclusive functional and genetic evidence.

Labcorp Genetics (formerly Invitae), Labcorp
Classification: Uncertain significance. Last evaluated: 2021-11-17. Review status: criteria provided, single submitter. Criteria: Invitae Variant Classification Sherloc (09022015). Collection method: clinical testing. Allele origin: germline.
Comment: In summary, the available evidence is currently insufficient to determine the role of this variant in disease. Therefore, it has been classified as a Variant of Uncertain Significance. Algorithms developed to predict the effect of missense changes on protein structure and function are either unavailable or do not agree on the potential impact of this missense change (SIFT: "Deleterious"; PolyPhen-2: "Benign"; Align-GVGD: "Class C0"). This variant has not been reported in the literature in individuals affected with ARHGAP24-related conditions. This variant is present in population databases (rs138513531, gnomAD 0.02%). This sequence change replaces asparagine, which is neutral and polar, with isoleucine, which is neutral and non-polar, at codon 587 of the ARHGAP24 protein (p.Asn587Ile).